The following is an entry in ClinVar:

NM_001042492.3(NF1):c.7189+4A>C

Gene: NF1 (neurofibromin 1; plus strand). Cytogenetic location: 17q11.2.
Variant type: single nucleotide variant.
Coding change: c.7189+4A>C on transcript NM_001042492.3 (MANE Select); 4 bases into the intron after coding-DNA position 7189, A replaced by C.
Molecular consequence: intron variant.
Genome position (GRCh38, 1-based): chr17:31,343,139, A>C. VCF-style: chr17-31343139-A-C. GRCh37 (hg19) VCF-style: chr17-29670157-A-C.
Other names: c.7126+4A>C (NM_000267.4).
Identifiers: ClinVar variation 480192 (VCV000480192.15), dbSNP rs756834212, ClinGen allele CA8487508.

ClinVar aggregate classification (germline): Uncertain significance. Review status: criteria provided, multiple submitters, no conflicts (2 of 4 stars). 4 submissions from 4 submitters: Uncertain significance (4). Last evaluated 2025-06-06.

Conditions:
Neurofibromatosis, type 1 (NF1). Also called: NEUROFIBROMATOSIS, TYPE I, SOMATIC; Peripheral type neurofibromatosis; VON RECKLINGHAUSEN DISEASE; Neurofibromatosis, type I. Identifiers: Orphanet 636, MedGen C0027831, MONDO:0018975, OMIM 162200. Disease mechanism: loss of function.
Hereditary cancer-predisposing syndrome. Also called: Tumor predisposition; Hereditary neoplastic syndrome; Neoplastic Syndromes, Hereditary; Hereditary Cancer Syndrome. Identifiers: Orphanet 140162, MedGen C0027672, MeSH D009386, MONDO:0015356.
Cardiovascular phenotype. Identifiers: MedGen CN230736.

Allele frequency attached by ClinVar (database versions not stated): gnomAD exomes below 0.00001; ExAC 0.00001.
gnomAD v4.1: 1 of 1,609,428 alleles (0.000062%); highest among the groups gnomAD compares: East Asian, 0.0022%; no homozygotes.

Submissions (5):

Quest Diagnostics Nichols Institute San Juan Capistrano
Classification: Uncertain significance. Last evaluated: 2025-06-06. Review status: criteria provided, single submitter. Criteria: Quest Diagnostics criteria. Collection method: clinical testing. Allele origin: unknown.

Labcorp Genetics (formerly Invitae), Labcorp
Classification: Uncertain significance for Neurofibromatosis, type 1. Last evaluated: 2025-01-12. Review status: criteria provided, single submitter. Criteria: Invitae Variant Classification Sherloc (09022015). Collection method: clinical testing. Allele origin: germline.
Comment: This sequence change falls in intron 47 of the NF1 gene. It does not directly change the encoded amino acid sequence of the NF1 protein. It affects a nucleotide within the consensus splice site. This variant is not present in population databases (gnomAD no frequency). This variant has not been reported in the literature in individuals affected with NF1-related conditions. ClinVar contains an entry for this variant (Variation ID: 480192). Variants that disrupt the consensus splice site are a relatively common cause of aberrant splicing (PMID: 17576681, 9536098). Algorithms developed to predict the effect of sequence changes on RNA splicing suggest that this variant is not likely to affect RNA splicing. In summary, the available evidence is currently insufficient to determine the role of this variant in disease. Therefore, it has been classified as a Variant of Uncertain Significance.

Ambry Genetics
Classification: Uncertain significance for Cardiovascular phenotype; Hereditary cancer-predisposing syndrome. Last evaluated: 2024-11-12. Review status: criteria provided, single submitter. Criteria: Ambry Variant Classification Scheme 2023. Collection method: clinical testing. Allele origin: germline.
Comment: The c.7126+4A>C intronic variant results from an A to C substitution 4 nucleotides after coding exon 47 in the NF1 gene. This nucleotide position is poorly conserved in available vertebrate species. In silico splice site analysis predicts that this alteration will not have any significant effect on splicing. Based on the available evidence, the clinical significance of this variant remains unclear.

Genome-Nilou Lab
Classification: Uncertain significance for Neurofibromatosis, type 1. Last evaluated: 2022-03-15. Review status: criteria provided, single submitter. Criteria: ACMG Guidelines, 2015. Collection method: clinical testing. Allele origin: germline. Affected: no.

Dr. Peter K. Rogan Lab, Western University
No classification provided (evidence only). Condition: Gastric cancer. Review status: no classification provided. Collection method: in vitro. Allele origin: not applicable. Functional consequence: retained intron. Not counted in ClinVar's aggregate classification.

Literature cited by the submitters: PubMed 17576681 (cited by Labcorp Genetics (formerly Invitae), Labcorp); PubMed 9536098 (cited by Labcorp Genetics (formerly Invitae), Labcorp).